The following is an entry in ClinVar:

ClinVar aggregate classification (germline): Uncertain significance (1 of 4 stars; one submission).

Conditions:
Tumor predisposition syndrome 3 (TPDS3). Also called: Melanoma, cutaneous malignant, susceptibility to, 10; Glioma susceptibility 9; LONG TELOMERE SYNDROME, POT1-RELATED; POT1 Tumor Predisposition. Identifiers: Orphanet 618, MedGen C4014476, MONDO:0014368, OMIM 615848.

Submission:

Labcorp Genetics (formerly Invitae), Labcorp
Classification: Uncertain significance for Tumor predisposition syndrome 3. Last evaluated: 2025-02-10. Review status: criteria provided, single submitter. Criteria: Invitae Variant Classification Sherloc (09022015). Collection method: clinical testing. Allele origin: germline.
Comment: This sequence change replaces phenylalanine, which is neutral and non-polar, with leucine, which is neutral and non-polar, at codon 470 of the POT1 protein (p.Phe470Leu). This variant is not present in population databases (gnomAD no frequency). This variant has not been reported in the literature in individuals affected with POT1-related conditions. ClinVar contains an entry for this variant (Variation ID: 1717757). Invitae Evidence Modeling of protein sequence and biophysical properties (such as structural, functional, and spatial information, amino acid conservation, physicochemical variation, residue mobility, and thermodynamic stability) indicates that this missense variant is not expected to disrupt POT1 protein function with a negative predictive value of 80%. In summary, the available evidence is currently insufficient to determine the role of this variant in disease. Therefore, it has been classified as a Variant of Uncertain Significance.

NM_015450.3(POT1):c.1410T>G (p.Phe470Leu)

Gene: POT1 (protection of telomeres 1; minus strand). Cytogenetic location: 7q31.33.
Variant type: single nucleotide variant.
Coding change: c.1410T>G on transcript NM_015450.3 (MANE Select); coding-DNA position 1410, T replaced by G.
Protein change: p.Phe470Leu; replaces phenylalanine 470 with leucine.
Molecular consequence: missense variant. On other transcripts: non-coding transcript variant (3).
Genome position (GRCh38, 1-based): chr7:124,835,374, A>C on the plus strand (T>G on the coding strand, the complement: POT1 is on the minus strand). VCF-style: chr7-124835374-A-C. GRCh37 (hg19) VCF-style: chr7-124475428-A-C.
Other names: c.1017T>G, p.Phe339Leu (NM_001042594.2); short protein forms F339L, F470L.
Identifiers: ClinVar variation 1717757 (VCV001717757.6), dbSNP rs2485374700, ClinGen allele CA369065845.